The following is an entry in ClinVar:

NM_152703.5(SAMD9L):c.1443G>T (p.Trp481Cys)

Gene: SAMD9L (sterile alpha motif domain containing 9 like; minus strand). Cytogenetic location: 7q21.2.
Variant type: single nucleotide variant.
Coding change: c.1443G>T on transcript NM_152703.5 (MANE Select); coding-DNA position 1443, G replaced by T.
Protein change: p.Trp481Cys; replaces tryptophan 481 with cysteine.
Molecular consequence: missense variant.
Genome position (GRCh38, 1-based): chr7:93,134,529, C>A on the plus strand (G>T on the coding strand, the complement: SAMD9L is on the minus strand). VCF-style: chr7-93134529-C-A. GRCh37 (hg19) VCF-style: chr7-92763842-C-A.
Other names: c.1443G>T (NM_152703.2); c.1443G>T, p.Trp481Cys (NM_001303496.3, NM_001303497.3, NM_001303498.3 and 5 more transcripts); short protein forms W481C.
Identifiers: ClinVar variation 2111960 (VCV002111960.5), dbSNP rs1159689277, ClinGen allele CA368196570.

ClinVar aggregate classification (germline): Uncertain significance. Review status: criteria provided, multiple submitters, no conflicts (2 of 4 stars). 2 submissions from 2 submitters: Uncertain significance (2). Last evaluated 2026-06-27.

Conditions:
Inborn genetic diseases. Identifiers: MedGen C0950123, MeSH D030342.

gnomAD v4.1: 2 of 1,613,884 alleles (0.00012%); highest among the groups gnomAD compares: Non-Finnish European, 0.00017%; no homozygotes.

Submissions (2):

Ambry Genetics
Classification: Uncertain significance for Inborn genetic diseases. Last evaluated: 2026-06-27. Review status: criteria provided, single submitter. Criteria: Ambry Variant Classification Scheme 2023. Collection method: clinical testing. Allele origin: germline.
Comment: The p.W481C variant (also known as c.1443G>T), located in coding exon 1 of the SAMD9L gene, results from a G to T substitution at nucleotide position 1443. The tryptophan at codon 481 is replaced by cysteine, an amino acid with highly dissimilar properties. This amino acid position is conserved. In addition, this alteration is predicted to be tolerated by in silico analysis. Based on the available evidence, the clinical significance of this variant remains unclear.

Labcorp Genetics (formerly Invitae), Labcorp
Classification: Uncertain significance. Last evaluated: 2024-10-17. Review status: criteria provided, single submitter. Criteria: Invitae Variant Classification Sherloc (09022015). Collection method: clinical testing. Allele origin: germline.
Comment: This sequence change replaces tryptophan, which is neutral and slightly polar, with cysteine, which is neutral and slightly polar, at codon 481 of the SAMD9L protein (p.Trp481Cys). This variant is not present in population databases (gnomAD no frequency). This variant has not been reported in the literature in individuals affected with SAMD9L-related conditions. ClinVar contains an entry for this variant (Variation ID: 2111960). An algorithm developed to predict the effect of missense changes on protein structure and function (PolyPhen-2) suggests that this variant is likely to be tolerated. In summary, the available evidence is currently insufficient to determine the role of this variant in disease. Therefore, it has been classified as a Variant of Uncertain Significance.